The following is an entry in ClinVar:

NM_133259.4(LRPPRC):c.1155+2T>G

Gene: LRPPRC (leucine rich pentatricopeptide repeat containing; minus strand). Cytogenetic location: 2p21.
Variant type: single nucleotide variant.
Coding change: c.1155+2T>G on transcript NM_133259.4 (MANE Select); the canonical splice donor site of the intron after coding-DNA position 1155, T replaced by G.
Molecular consequence: splice donor variant.
Genome position (GRCh38, 1-based): chr2:43,974,148, A>C on the plus strand (T>G on the coding strand, the complement: LRPPRC is on the minus strand). VCF-style: chr2-43974148-A-C. GRCh37 (hg19) VCF-style: chr2-44201287-A-C.
Identifiers: ClinVar variation 1067135 (VCV001067135.9), dbSNP rs2103712799, ClinGen allele CA346672620.
Genomic context (GRCh38, chr2:43,974,148, plus strand): 5'-CTTTAAAGAATCTTATTTCACTGCCAATTACATTGTCTACAAAGTAAAAGTGGACAGAAT[A>C]CCGTATTCATAGTCACACAGTGTTGTAAAAAGAAACTGCCAAAGACACTTGGGCCATCTT-3'

ClinVar aggregate classification (germline): Likely pathogenic (1 of 4 stars; one submission).

Submission:

Labcorp Genetics (formerly Invitae), Labcorp
Classification: Likely pathogenic. Last evaluated: 2020-01-23. Review status: criteria provided, single submitter. Criteria: Invitae Variant Classification Sherloc (09022015). Collection method: clinical testing. Allele origin: germline.
Comment: This sequence change affects a donor splice site in intron 9 of the LRPPRC gene. It is expected to disrupt RNA splicing and likely results in an absent or disrupted protein product. In summary, the currently available evidence indicates that the variant is pathogenic, but additional data are needed to prove that conclusively. Therefore, this variant has been classified as Likely Pathogenic. Donor and acceptor splice site variants typically lead to a loss of protein function (PMID: 16199547), and loss-of-function variants in LRPPRC are known to be pathogenic (PMID: 26510951). Algorithms developed to predict the effect of sequence changes on RNA splicing suggest that this variant may disrupt the consensus splice site, but this prediction has not been confirmed by published transcriptional studies. This variant has not been reported in the literature in individuals with LRPPRC-related conditions. This variant is not present in population databases (ExAC no frequency).

Literature cited by the submitters: PubMed 16199547; PubMed 26510951.